The following is an entry in ClinVar:

ClinVar aggregate classification (germline): Uncertain significance (1 of 4 stars; one submission).

Conditions:
Mucopolysaccharidosis, MPS-III-A (MPS3A). Also called: HEPARAN SULFATE SULFATASE DEFICIENCY; SANFILIPPO SYNDROME A; SULFAMIDASE DEFICIENCY; MPS III A; MPS IIIA (Sanfilippo Syndrome Type A); Mucopolysaccharidosis type IIIA (Sanfilippo A). Identifiers: Orphanet 581, Orphanet 79269, MedGen C0086647, MONDO:0009655, OMIM 252900.

Allele frequency attached by ClinVar (database versions not stated): gnomAD 0.00001.
gnomAD v4.1: 13 of 1,613,934 alleles (0.00081%); highest among the groups gnomAD compares: Middle Eastern, 0.016%; no homozygotes.

Submission:

Labcorp Genetics (formerly Invitae), Labcorp
Classification: Uncertain significance for Mucopolysaccharidosis, MPS-III-A. Last evaluated: 2022-06-01. Review status: criteria provided, single submitter. Criteria: Invitae Variant Classification Sherloc (09022015). Collection method: clinical testing. Allele origin: germline.
Comment: This sequence change replaces arginine, which is basic and polar, with cysteine, which is neutral and slightly polar, at codon 414 of the SGSH protein (p.Arg414Cys). This variant is present in population databases (no rsID available, gnomAD 0.007%). This variant has not been reported in the literature in individuals affected with SGSH-related conditions. ClinVar contains an entry for this variant (Variation ID: 1421588). Algorithms developed to predict the effect of missense changes on protein structure and function are either unavailable or do not agree on the potential impact of this missense change (SIFT: "Deleterious"; PolyPhen-2: "Probably Damaging"; Align-GVGD: "Class C15"). In summary, the available evidence is currently insufficient to determine the role of this variant in disease. Therefore, it has been classified as a Variant of Uncertain Significance.

NM_000199.5(SGSH):c.1240C>T (p.Arg414Cys)

Gene: SGSH (N-sulfoglucosamine sulfohydrolase; minus strand). Cytogenetic location: 17q25.3.
Variant type: single nucleotide variant.
Coding change: c.1240C>T on transcript NM_000199.5 (MANE Select); coding-DNA position 1240, C replaced by T.
Protein change: p.Arg414Cys; replaces arginine 414 with cysteine.
Molecular consequence: missense variant. On other transcripts: 3 prime UTR variant (2), non-coding transcript variant (1).
Genome position (GRCh38, 1-based): chr17:80,210,721, G>A on the plus strand (C>T on the coding strand, the complement: SGSH is on the minus strand). VCF-style: chr17-80210721-G-A. GRCh37 (hg19) VCF-style: chr17-78184520-G-A.
Other names: c.*327C>T (NM_001352921.3); c.*290C>T (NM_001352922.2); short protein forms R414C.
Identifiers: ClinVar variation 1421588 (VCV001421588.5), dbSNP rs1354462020, ClinGen allele CA401358840.